The following is an entry in ClinVar:

ClinVar aggregate classification (germline): Uncertain significance (1 of 4 stars; one submission).

Allele frequency attached by ClinVar (database versions not stated): ExAC 0.00001.

Submission:

Labcorp Genetics (formerly Invitae), Labcorp
Classification: Uncertain significance. Last evaluated: 2022-06-19. Review status: criteria provided, single submitter. Criteria: Invitae Variant Classification Sherloc (09022015). Collection method: clinical testing. Allele origin: germline.
Comment: In summary, the available evidence is currently insufficient to determine the role of this variant in disease. Therefore, it has been classified as a Variant of Uncertain Significance. Algorithms developed to predict the effect of missense changes on protein structure and function (SIFT, PolyPhen-2, Align-GVGD) all suggest that this variant is likely to be tolerated. This variant has not been reported in the literature in individuals affected with PLOD3-related conditions. This variant is present in population databases (rs780976934, gnomAD 0.003%). This sequence change replaces glycine, which is neutral and non-polar, with serine, which is neutral and polar, at codon 632 of the PLOD3 protein (p.Gly632Ser).

NM_001084.5(PLOD3):c.1894G>A (p.Gly632Ser)

Gene: PLOD3 (procollagen-lysine,2-oxoglutarate 5-dioxygenase 3; minus strand). Cytogenetic location: 7q22.1.
Variant type: single nucleotide variant.
Coding change: c.1894G>A on transcript NM_001084.5 (MANE Select); coding-DNA position 1894, G replaced by A.
Protein change: p.Gly632Ser; replaces glycine 632 with serine.
Molecular consequence: missense variant.
Genome position (GRCh38, 1-based): chr7:101,207,619, C>T on the plus strand (G>A on the coding strand, the complement: PLOD3 is on the minus strand). VCF-style: chr7-101207619-C-T. GRCh37 (hg19) VCF-style: chr7-100850900-C-T.
Other names: short protein forms G632S.
Identifiers: ClinVar variation 1970915 (VCV001970915.5), dbSNP rs780976934, ClinGen allele CA4407483.